The following is an entry in ClinVar:

ClinVar aggregate classification (germline): Uncertain significance. Review status: criteria provided, multiple submitters, no conflicts (2 of 4 stars). 3 submissions from 3 submitters: Uncertain significance (3). Last evaluated 2025-04-04.

Conditions:
Cardiovascular phenotype. Identifiers: MedGen CN230736.
Brugada syndrome 4 (BRGDA4). Identifiers: Orphanet 130, MedGen C2678477, MONDO:0012743, OMIM 611876.

Allele frequency attached by ClinVar (database versions not stated): ExAC 0.00003; gnomAD 0.00004 and 0.00005; gnomAD exomes 0.00004; TOPMed 0.00009.
gnomAD v4.1: 40 of 1,613,660 alleles (0.0025%); highest among the groups gnomAD compares: Admixed American, 0.013%; no homozygotes.

Submissions (3):

Ambry Genetics
Classification: Uncertain significance for Cardiovascular phenotype. Last evaluated: 2025-04-04. Review status: criteria provided, single submitter. Criteria: Ambry Variant Classification Scheme 2023. Collection method: clinical testing. Allele origin: germline.
Comment: The p.R457H variant (also known as c.1370G>A), located in coding exon 13 of the CACNB2 gene, results from a G to A substitution at nucleotide position 1370. The arginine at codon 457 is replaced by histidine, an amino acid with highly similar properties. This amino acid position is conserved. In addition, the in silico prediction for this alteration is inconclusive. Since supporting evidence is limited at this time, the clinical significance of this alteration remains unclear.

Labcorp Genetics (formerly Invitae), Labcorp
Classification: Uncertain significance for Brugada syndrome 4. Last evaluated: 2024-04-01. Review status: criteria provided, single submitter. Criteria: Invitae Variant Classification Sherloc (09022015). Collection method: clinical testing. Allele origin: germline.
Comment: This sequence change replaces arginine, which is basic and polar, with histidine, which is basic and polar, at codon 457 of the CACNB2 protein (p.Arg457His). This variant is present in population databases (no rsID available, gnomAD 0.01%). This variant has not been reported in the literature in individuals affected with CACNB2-related conditions. ClinVar contains an entry for this variant (Variation ID: 411700). Advanced modeling of protein sequence and biophysical properties (such as structural, functional, and spatial information, amino acid conservation, physicochemical variation, residue mobility, and thermodynamic stability) performed at Invitae indicates that this missense variant is not expected to disrupt CACNB2 protein function with a negative predictive value of 80%. In summary, the available evidence is currently insufficient to determine the role of this variant in disease. Therefore, it has been classified as a Variant of Uncertain Significance.

Fulgent Genetics
Classification: Uncertain significance for Brugada syndrome 4. Last evaluated: 2021-09-17. Review status: criteria provided, single submitter. Criteria: ACMG Guidelines, 2015. Collection method: clinical testing. Allele origin: unknown.

NM_201596.3(CACNB2):c.1532G>A (p.Arg511His)

Gene: CACNB2 (calcium voltage-gated channel auxiliary subunit beta 2; plus strand). Cytogenetic location: 10p12.31.
Variant type: single nucleotide variant.
Coding change: c.1532G>A on transcript NM_201596.3 (MANE Select); coding-DNA position 1532, G replaced by A.
Protein change: p.Arg511His; replaces arginine 511 with histidine.
Molecular consequence: missense variant.
Genome position (GRCh38, 1-based): chr10:18,539,273, G>A. VCF-style: chr10-18539273-G-A. GRCh37 (hg19) VCF-style: chr10-18828202-G-A.
Other names: c.1367G>A, p.Arg456His (NM_000724.4); c.1334G>A, p.Arg445His (NM_001167945.2); c.1253G>A, p.Arg418His (NM_001330060.2); c.1388G>A, p.Arg463His (NM_201570.3); c.1448G>A, p.Arg483His (NM_201571.4); c.1376G>A, p.Arg459His (NM_201572.4); c.1370G>A, p.Arg457His (NM_201590.3); c.1418G>A, p.Arg473His (NM_201593.3); and 1 more; short protein forms R511H, R457H, R483H, R487H, R463H, R418H, R445H, R459H.
Identifiers: ClinVar variation 411700 (VCV000411700.11), dbSNP rs1039406883, ClinGen allele CA5430090.